The following is an entry in ClinVar:

ClinVar aggregate classification (germline): Pathogenic. Review status: reviewed by expert panel (3 of 4 stars). 2 submissions from 2 submitters: Pathogenic (1). 1 of the submissions does not count toward it. Last evaluated 2016-10-18.

Conditions:
Breast-ovarian cancer, familial, susceptibility to, 1 (BROVCA1). Also called: BRCA1 Hereditary Breast and Ovarian Cancer; OVARIAN CANCER, SUSCEPTIBILITY TO. Identifiers: Orphanet 145, MedGen C2676676, MONDO:0011450, OMIM 604370. Disease mechanism: loss of function.

Submissions (2):

Evidence-based Network for the Interpretation of Germline Mutant Alleles (ENIGMA)
Classification: Pathogenic for Breast-ovarian cancer, familial, susceptibility to, 1. Last evaluated: 2016-10-18. Review status: reviewed by expert panel. Criteria: ENIGMA BRCA1/2 Classification Criteria (2015). Collection method: curation. Allele origin: germline.
Comment: Variant allele predicted to encode a truncated non-functional protein.

Consortium of Investigators of Modifiers of BRCA1/2 (CIMBA), c/o University of Cambridge
Classification: Pathogenic for Breast-ovarian cancer, familial, susceptibility to, 1. Last evaluated: 2015-10-02. Review status: criteria provided, single submitter. Criteria: CIMBA Mutation Classification guidelines May 2016. Collection method: clinical testing. Allele origin: germline. Not counted in ClinVar's aggregate classification.

NM_007294.4(BRCA1):c.363_364del (p.Glu121fs)

Gene: BRCA1 (BRCA1 DNA repair associated; minus strand). Cytogenetic location: 17q21.31.
Variant type: Deletion.
Coding change: c.363_364del on transcript NM_007294.4 (MANE Select); coding-DNA positions 363 to 364, 2 bases deleted (AG; older notation c.363_364delAG).
Protein change: p.Glu121fs; shifts the reading frame from glutamic acid 121.
Molecular consequence: frameshift variant. On other transcripts: non-coding transcript variant (1).
Genome position (GRCh38, 1-based): chr17:43,104,199-43,104,200, CT deleted on the plus strand (AG on the coding strand, the reverse complement: BRCA1 is on the minus strand). VCF-style (leftmost placement, unchanged base first): chr17-43104198-ACT-A. GRCh37 (hg19) VCF-style: chr17-41256215-ACT-A.
Other names: 482delAG; c.153_154delAG, p.Glu51Aspfs (NM_001407909.1, NM_001407910.1, NM_001407915.1 and 58 more transcripts); c.363_364delAG, p.Glu121Aspfs (NM_001407919.1, NM_001407937.1, NM_001407938.1 and 164 more transcripts); c.222_223delAG, p.Glu74Aspfs (NM_001407920.1, NM_001407921.1, NM_001407922.1 and 98 more transcripts); c.-19_-18delAG (NM_001407959.1, NM_001407960.1, NM_001407962.1 and 4 more transcripts); c.354_355delAG, p.Glu118Aspfs (NM_001408408.1, NM_001407646.1, NM_001407647.1); c.285_286delAG, p.Glu95Aspfs (NM_001408409.1, NM_001408411.1, NM_001408412.1 and 21 more transcripts); c.231_232delAG, p.Glu77Aspfs (NM_001408451.1); and 2 more; short protein forms E74fs, E121fs.
Identifiers: ClinVar variation 266395 (VCV000266395.6), dbSNP rs886040155, ClinGen allele CA10590016.